The following is an entry in ClinVar:

NM_020843.4(SCAPER):c.3078+10A>G

Gene: SCAPER (S-phase cyclin A associated protein in the ER; minus strand). Cytogenetic location: 15q24.3.
Variant type: single nucleotide variant.
Coding change: c.3078+10A>G on transcript NM_020843.4 (MANE Select); 10 bases into the intron after coding-DNA position 3078, A replaced by G.
Molecular consequence: intron variant.
Genome position (GRCh38, 1-based): chr15:76,471,202, T>C on the plus strand (A>G on the coding strand, the complement: SCAPER is on the minus strand). VCF-style: chr15-76471202-T-C. GRCh37 (hg19) VCF-style: chr15-76763543-T-C.
Other names: c.2694+10A>G (NM_001353011.2); c.2676+10A>G (NM_001353012.2, NM_001353010.2); c.3096+10A>G (NM_001353009.2); c.2340+10A>G (NM_001145923.2).
Identifiers: ClinVar variation 4978378 (VCV004978378.1).
Genomic context (GRCh38, chr15:76,471,202, plus strand): 5'-TTAGTTTTCTCCACAGGGACTATTTCTCAAACCTTAACTGCTTCTAACTCAAAGCAATAA[T>C]ATTACATACCGTCAACTGGTGTATCAGGAGGTCCATTAAGAAGGTAATCTTGTTACTAAA-3'

ClinVar aggregate classification (germline): Likely benign (1 of 4 stars; one submission).

Conditions:
SCAPER-related disorder. Also called: SCAPER-related condition.

gnomAD v4.1: 8 of 1,594,652 alleles (0.0005%); highest among the groups gnomAD compares: Non-Finnish European, 0.0006%; no homozygotes.

Submission:

PreventionGenetics, part of Exact Sciences
Classification: Likely benign for SCAPER-related condition. Last evaluated: 2026-08-05. Review status: criteria provided, single submitter. Criteria: ACMG Guidelines, 2015. Collection method: clinical testing. Allele origin: germline.
Comment: This variant is classified as likely benign based on ACMG/AMP sequence variant interpretation guidelines (Richards et al. 2015 PMID: 25741868, with internal and published modifications).